The following is an entry in ClinVar:

NM_000540.3(RYR1):c.2488C>T (p.Arg830Trp)

Gene: RYR1 (ryanodine receptor 1; plus strand). Cytogenetic location: 19q13.2.
Variant type: single nucleotide variant.
Coding change: c.2488C>T on transcript NM_000540.3 (MANE Select); coding-DNA position 2488, C replaced by T.
Protein change: p.Arg830Trp; replaces arginine 830 with tryptophan.
Molecular consequence: missense variant.
Genome position (GRCh38, 1-based): chr19:38,460,502, C>T. VCF-style: chr19-38460502-C-T. GRCh37 (hg19) VCF-style: chr19-38951142-C-T.
Other names: c.2488C>T, p.Arg830Trp (NM_001042723.2); short protein forms R830W.
Identifiers: ClinVar variation 544404 (VCV000544404.58), dbSNP rs142548565, ClinGen allele CA063319.

ClinVar aggregate classification (germline): Conflicting classifications of pathogenicity. Review status: criteria provided, conflicting classifications (1 of 4 stars). 8 submissions from 8 submitters: Uncertain significance (7); Likely benign (1). Last evaluated 2026-01-28.

Conditions:
Central core myopathy (CMYO1A). Also called: CONGENITAL MYOPATHY 1A, AUTOSOMAL DOMINANT, WITH SUSCEPTIBILITY TO MALIGNANT HYPERTHERMIA; Central core disease; Myopathy, central fibrillar. Identifiers: Orphanet 597, MedGen C5830701, MONDO:0007294, OMIM 117000.
Congenital multicore myopathy with external ophthalmoplegia (CMYO1B). Also called: MULTICORE MYOPATHY; Minicore myopathy with external ophthalmoplegia; Congenital myopathy 1B, autosomal recessive; Minicore myopathy; MULTIMINICORE DISEASE WITH EXTERNAL OPHTHALMOPLEGIA. Identifiers: Orphanet 598, Orphanet 98905, MedGen C1850674, MONDO:0009712, OMIM 255320, HP:0003789.
Autosomal dominant centronuclear myopathy. Also called: MYOTUBULAR MYOPATHY, AUTOSOMAL DOMINANT; Myopathy, centronuclear, 3. Identifiers: Orphanet 169189, MedGen C4551952, MeSH D020914, MONDO:0008048, OMIM 160150.
RYR1-related disorder. Also called: RYR1-related disorders; RYR1-related condition. Identifiers: MedGen CN239331.
Malignant hyperthermia, susceptibility to, 1 (MHS1). Also called: RYR1-Related Malignant Hyperthermia Susceptibility; Anesthesia related hyperthermia; Malignant hyperpyrexia; Fulminating hyperpyrexia; Pharmacogenic myopathy; Malignant hyperthermia suceptibility 1. Identifiers: Orphanet 423, MedGen C2930980, MONDO:0007783, OMIM 145600.

Allele frequency attached by ClinVar (database versions not stated): TOPMed 0.00007; gnomAD 0.00008; gnomAD exomes 0.00008 and 0.00010; ExAC 0.00010; ESP Exome Variant Server 0.00031.
gnomAD v4.1: 147 of 1,614,052 alleles (0.0091%); highest among the groups gnomAD compares: Non-Finnish European, 0.011%; no homozygotes.

Submissions (8):

Labcorp Genetics (formerly Invitae), Labcorp
Classification: Likely benign for RYR1-related disorder. Last evaluated: 2026-01-28. Review status: criteria provided, single submitter. Criteria: Invitae Variant Classification Sherloc (09022015). Collection method: clinical testing. Allele origin: germline.

GeneDx
Classification: Uncertain significance. Last evaluated: 2025-07-23. Review status: criteria provided, single submitter. Criteria: GeneDx Variant Classification Process June 2021. Collection method: clinical testing. Allele origin: germline.
Comment: Observed in trans with another variant in an individual with exercise-induced rhabdomyolysis (PMID: 25960145, 30788618); Reported in an individual with malignant hyperthermia and butyrylcholinestherase deficiency (PMID: 28259615); Not observed at significant frequency in large population cohorts (gnomAD); In silico analysis supports that this missense variant has a deleterious effect on protein structure/function; This variant is associated with the following publications: (PMID: 28326467, 31559918, 30788618, 28259615, 25960145, 37937776)

CeGaT Center for Human Genetics Tuebingen
Classification: Uncertain significance. Last evaluated: 2024-02-01. Review status: criteria provided, single submitter. Criteria: CeGaT Center For Human Genetics Tuebingen Variant Classification Criteria Version 2. Collection method: clinical testing. Allele origin: germline. Affected: yes. Observed: 2 variant alleles.
Comment: RYR1: PM2

Color Diagnostics, LLC DBA Color Health
Classification: Uncertain significance for Malignant hyperthermia, susceptibility to, 1. Last evaluated: 2023-12-18. Review status: criteria provided, single submitter. Criteria: ACMG Guidelines, 2015. Collection method: clinical testing. Allele origin: germline.
Comment: This missense variant replaces arginine with tryptophan at codon 830 of the RYR1 protein. Computational prediction suggests that this variant may not impact protein structure and function. To our knowledge, functional studies have not been reported for this variant. This variant has been reported in an individual affected with malignant hyperthermia susceptibility, who also carried a pathogenic variant in the same gene that could explain the observed phenotype (PMID: 31559918). This variant has also been reported in an individual with an uncertain personal or family history of a malignant hyperthermia event and no known in vitro contracture test results (PMID: 28259615) and in an individual affected with rhabdomyolysis who was found to lack malignant hyperthermia susceptibility in in vitro contracture test (PMID: 30788618). This variant has been identified in 21/282634 chromosomes in the general population by the Genome Aggregation Database (gnomAD). The available evidence is insufficient to determine the role of this variant in disease conclusively. Therefore, this variant is classified as a Variant of Uncertain Significance.

Women's Health and Genetics/Laboratory Corporation of America, LabCorp
Classification: Uncertain significance. Last evaluated: 2023-05-25. Review status: criteria provided, single submitter. Criteria: LabCorp Variant Classification Summary - May 2015. Collection method: clinical testing. Allele origin: germline.
Comment: Variant summary: RYR1 c.2488C>T (p.Arg830Trp) results in a non-conservative amino acid change in the encoded protein sequence. Three of five in-silico tools predict a damaging effect of the variant on protein function. The variant allele was found at a frequency of 8e-05 in 251250 control chromosomes (gnomAD). This frequency is approximately equal to the maximum estimated frequency for a pathogenic variant in RYR1 causing a Malignant Hyperthermia Susceptibility phenotype (8e-05 vs 8.8e-05), allowing no definitive conclusion about variant significance. c.2488C>T has been reported in the literature in the heterozygous state in an individual suspected of Malignant Hyperthermia Susceptibility (Levano_2017) and has also been reported as a compound heterozygous genotype with an autosomal recessive pattern of inheritance (parents were unaffected heterozygous carriers) in an individual who suffered at least one severe episode of heat- and exercise-induced rhabdomyolysis (Snoeck_2015, Knuiman_2019) . These reports do not provide unequivocal conclusions about association of the variant with RYR1-related disorders. To our knowledge, no experimental evidence demonstrating an impact on protein function has been reported. Six clinical diagnostic laboratories have submitted clinical-significance assessments for this variant to ClinVar after 2014 and classified the variant as VUS (n=5) and likely benign (n=1). Based on the evidence outlined above, the variant was classified as uncertain significance.

Baylor Genetics
Classification: Uncertain significance for Malignant hyperthermia, susceptibility to, 1. Last evaluated: 2021-02-25. Review status: criteria provided, single submitter. Criteria: ACMG Guidelines, 2015. Collection method: clinical testing. Allele origin: unknown.

Revvity Omics, Revvity
Classification: Uncertain significance. Last evaluated: 2020-09-08. Review status: criteria provided, single submitter. Criteria: ACMG Guidelines, 2015. Collection method: clinical testing. Allele origin: germline.

PreventionGenetics, part of Exact Sciences
Classification: Uncertain significance. Last evaluated: 2016-10-05. Review status: criteria provided, single submitter. Criteria: ACMG Guidelines, 2015. Collection method: clinical testing. Allele origin: germline.

Literature cited by the submitters: PubMed 28259615 (cited by Color Diagnostics, LLC DBA Color Health and Women's Health and Genetics/Laboratory Corporation of America, LabCorp); PubMed 30788618 (cited by Color Diagnostics, LLC DBA Color Health and Women's Health and Genetics/Laboratory Corporation of America, LabCorp); PubMed 31559918 (cited by Color Diagnostics, LLC DBA Color Health); PubMed 25960145 (cited by Women's Health and Genetics/Laboratory Corporation of America, LabCorp).